The following is an entry in ClinVar:

NM_001205293.3(CACNA1E):c.259G>T (p.Asp87Tyr)

Gene: CACNA1E (calcium voltage-gated channel subunit alpha1 E; plus strand). Cytogenetic location: 1q25.3.
Variant type: single nucleotide variant.
Coding change: c.259G>T on transcript NM_001205293.3 (MANE Select); coding-DNA position 259, G replaced by T.
Protein change: p.Asp87Tyr; replaces aspartic acid 87 with tyrosine.
Molecular consequence: missense variant.
Genome position (GRCh38, 1-based): chr1:181,484,003, G>T. VCF-style: chr1-181484003-G-T. GRCh37 (hg19) VCF-style: chr1-181453139-G-T.
Other names: c.259G>T, p.Asp87Tyr (NM_000721.4, NM_001205294.2); short protein forms D87Y.
Identifiers: ClinVar variation 3769978 (VCV003769978.1).

ClinVar aggregate classification (germline): Uncertain significance (1 of 4 stars; one submission).

Submission:

GeneDx
Classification: Uncertain significance. Last evaluated: 2024-09-11. Review status: criteria provided, single submitter. Criteria: GeneDx Variant Classification Process June 2021. Collection method: clinical testing. Allele origin: germline. Affected: yes.
Comment: Not observed at significant frequency in large population cohorts (gnomAD); In silico analysis supports that this missense variant has a deleterious effect on protein structure/function; Has not been previously published as pathogenic or benign to our knowledge